The following is an entry in ClinVar:

ClinVar aggregate classification (germline): Uncertain significance. Review status: criteria provided, multiple submitters, no conflicts (2 of 4 stars). 2 submissions from 2 submitters: Uncertain significance (2). Last evaluated 2025-08-12.

Conditions:
Inborn genetic diseases. Identifiers: MedGen C0950123, MeSH D030342.
Sphingolipid activator protein 1 deficiency. Also called: METACHROMATIC LEUKODYSTROPHY DUE TO CEREBROSIDE SULFATASE ACTIVATOR DEFICIENCY; Metachromatic leukodystrophy due to saposin B deficiency; Saposin B Deficiency. Identifiers: Orphanet 512, MedGen C0268262, MONDO:0009590, OMIM 249900.

Allele frequency attached by ClinVar (database versions not stated): gnomAD exomes below 0.00001.
gnomAD v4.1: 6 of 1,614,010 alleles (0.00037%); highest among the groups gnomAD compares: Admixed American, 0.0033%; no homozygotes.

Submissions (2):

Ambry Genetics
Classification: Uncertain significance for Inborn genetic diseases. Last evaluated: 2025-08-12. Review status: criteria provided, single submitter. Criteria: Ambry Variant Classification Scheme 2023. Collection method: clinical testing. Allele origin: germline.

Labcorp Genetics (formerly Invitae), Labcorp
Classification: Uncertain significance for Sphingolipid activator protein 1 deficiency. Last evaluated: 2024-01-08. Review status: criteria provided, single submitter. Criteria: Invitae Variant Classification Sherloc (09022015). Collection method: clinical testing. Allele origin: germline.
Comment: This sequence change replaces alanine, which is neutral and non-polar, with valine, which is neutral and non-polar, at codon 30 of the PSAP protein (p.Ala30Val). This variant is present in population databases (no rsID available, gnomAD 0.006%). This variant has not been reported in the literature in individuals affected with PSAP-related conditions. ClinVar contains an entry for this variant (Variation ID: 2158855). Advanced modeling of protein sequence and biophysical properties (such as structural, functional, and spatial information, amino acid conservation, physicochemical variation, residue mobility, and thermodynamic stability) has been performed at Invitae for this missense variant, however the output from this modeling did not meet the statistical confidence thresholds required to predict the impact of this variant on PSAP protein function. In summary, the available evidence is currently insufficient to determine the role of this variant in disease. Therefore, it has been classified as a Variant of Uncertain Significance.

NM_002778.4(PSAP):c.89C>T (p.Ala30Val)

Gene: PSAP (prosaposin; minus strand). Cytogenetic location: 10q22.1.
Variant type: single nucleotide variant.
Coding change: c.89C>T on transcript NM_002778.4 (MANE Select); coding-DNA position 89, C replaced by T.
Protein change: p.Ala30Val; replaces alanine 30 with valine.
Molecular consequence: missense variant.
Genome position (GRCh38, 1-based): chr10:71,834,457, G>A on the plus strand (C>T on the coding strand, the complement: PSAP is on the minus strand). VCF-style: chr10-71834457-G-A. GRCh37 (hg19) VCF-style: chr10-73594214-G-A.
Other names: c.89C>T, p.Ala30Val (NM_001042465.3, NM_001042466.3); c.89C>T (NM_002778.2); short protein forms A30V.
Identifiers: ClinVar variation 2158855 (VCV002158855.5), dbSNP rs1012525890, ClinGen allele CA209472001.